The following is an entry in ClinVar:

NM_000179.3(MSH6):c.3221del (p.Met1074fs)

Gene: MSH6 (mutS homolog 6; plus strand). Cytogenetic location: 2p16.3.
Variant type: Deletion.
Coding change: c.3221del on transcript NM_000179.3 (MANE Select); coding-DNA position 3221, one base deleted (T; older notation c.3221delT).
Protein change: p.Met1074fs; shifts the reading frame from methionine 1074.
Molecular consequence: frameshift variant.
Genome position (GRCh38, 1-based): chr2:47,803,468, T deleted. VCF-style (leftmost placement, unchanged base first): chr2-47803467-AT-A. GRCh37 (hg19) VCF-style: chr2-48030606-AT-A.
Other names: c.2831del, p.Met944fs (NM_001281492.2); c.2315del, p.Met772fs (NM_001281493.2, NM_001281494.2); c.3221delT (NM_000179.3); short protein forms M944fs, M772fs.
Identifiers: ClinVar variation 89356 (VCV000089356.11), dbSNP rs267608090, ClinGen allele CA012050.

ClinVar aggregate classification (germline): Pathogenic. Review status: reviewed by expert panel (3 of 4 stars). 3 submissions from 3 submitters: Pathogenic (1). 2 of the submissions do not count toward it. Last evaluated 2013-09-05.

Conditions:
Lynch syndrome. Identifiers: Orphanet 144, MedGen C4552100, MONDO:0005835. Disease mechanism: loss of function.

Submissions (3):

International Society for Gastrointestinal Hereditary Tumours (InSiGHT)
Classification: Pathogenic for Lynch Syndrome. Last evaluated: 2013-09-05. Review status: reviewed by expert panel. Criteria: Guidelines v1.9. Collection method: research. Allele origin: germline.
Comment: Coding sequence variation resulting in a stop codon

Classified with v1.9 guidelines

Center for Genomic Medicine, Rigshospitalet, Copenhagen University Hospital
Classification: Pathogenic. Last evaluated: 2025-03-04. Review status: criteria provided, single submitter. Criteria: ACMG Guidelines, 2015. Collection method: clinical testing. Allele origin: germline. Not counted in ClinVar's aggregate classification.

Department of Clinical Genetics, Copenhagen University Hospital, Rigshospitalet
Classification: Pathogenic for Lynch syndrome. Last evaluated: 2025-02-04. Review status: criteria provided, single submitter. Criteria: ACMG Guidelines, 2015. Collection method: clinical testing. Allele origin: germline. Not counted in ClinVar's aggregate classification.
Comment: PVS1; PM2_SUP; PP4